The following is an entry in ClinVar:

NM_001348716.2(KDM6B):c.1474C>T (p.Arg492Trp)

Gene: KDM6B (lysine demethylase 6B; plus strand). Cytogenetic location: 17p13.1.
Variant type: single nucleotide variant.
Coding change: c.1474C>T on transcript NM_001348716.2 (MANE Select); coding-DNA position 1474, C replaced by T.
Protein change: p.Arg492Trp; replaces arginine 492 with tryptophan.
Molecular consequence: missense variant.
Genome position (GRCh38, 1-based): chr17:7,847,762, C>T. VCF-style: chr17-7847762-C-T. GRCh37 (hg19) VCF-style: chr17-7751080-C-T.
Other names: c.1474C>T, p.Arg492Trp (NM_001080424.2); short protein forms R492W.
Identifiers: ClinVar variation 4042395 (VCV004042395.3).

ClinVar aggregate classification (germline): Conflicting classifications of pathogenicity. Review status: criteria provided, conflicting classifications (1 of 4 stars). 3 submissions from 3 submitters: Uncertain significance (2); Likely benign (1). Last evaluated 2026-08-01.

Conditions:
Inborn genetic diseases. Identifiers: MedGen C0950123, MeSH D030342.

gnomAD v4.1: 26 of 1,506,524 alleles (0.0017%); highest among the groups gnomAD compares: African/African-American, 0.0043%; no homozygotes.

Submissions (3):

CeGaT Center for Human Genetics Tuebingen
Classification: Likely benign. Last evaluated: 2026-08-01. Review status: criteria provided, single submitter. Criteria: CeGaT Center For Human Genetics Tuebingen Variant Classification Criteria Version 2. Collection method: clinical testing. Allele origin: germline. Affected: yes. Observed: 1 variant allele.
Comment: KDM6B: BS1

Ambry Genetics
Classification: Uncertain significance for Inborn genetic diseases. Last evaluated: 2025-04-25. Review status: criteria provided, single submitter. Criteria: Ambry Variant Classification Scheme 2023. Collection method: clinical testing. Allele origin: germline.

Blueprint Genetics
Classification: Uncertain significance. Last evaluated: 2022-11-15. Review status: criteria provided, single submitter. Criteria: ACMG Guidelines, 2015. Collection method: clinical testing. Allele origin: germline.